The following is an entry in ClinVar:

ClinVar aggregate classification (germline): Uncertain significance. Review status: criteria provided, multiple submitters, no conflicts (2 of 4 stars). 2 submissions from 2 submitters: Uncertain significance (2). Last evaluated 2025-07-10.

Conditions:
Myoclonic dystonia 26. Identifiers: MedGen C4225341, MONDO:0014620, OMIM 616398.

Submissions (2):

3billion
Classification: Uncertain significance for Myoclonic dystonia 26. Last evaluated: 2025-07-10. Review status: criteria provided, single submitter. Criteria: ACMG Guidelines, 2015. Collection method: clinical testing. Allele origin: germline. Affected: yes.
Comment: The variant is not observed in the gnomAD v4.1.0 dataset. Predicted Consequence/Location: Missense variant Damaging effect on gene or gene product predicted by in silico programs is uncertain [REVEL: 0.34 (damaging >=0.6, benign <0.4), 3Cnet: 0.27 (damaging >0.75, benign <0.1)]. The variant has been reported as of uncertain significance (ClinVar ID: VCV001721924). Different missense changes at the same codon have been reported as of uncertain significance (ClinVar ID: VCV001516101, VCV002279970; 3billion dataset). Therefore, this variant is classified as VUS according to the recommendation of ACMG/AMP guideline.

Labcorp Genetics (formerly Invitae), Labcorp
Classification: Uncertain significance for Myoclonic dystonia 26. Last evaluated: 2023-10-03. Review status: criteria provided, single submitter. Criteria: Invitae Variant Classification Sherloc (09022015). Collection method: clinical testing. Allele origin: germline.
Comment: This sequence change replaces glycine, which is neutral and non-polar, with valine, which is neutral and non-polar, at codon 118 of the KCTD17 protein (p.Gly118Val). This variant is not present in population databases (gnomAD no frequency). This variant has not been reported in the literature in individuals affected with KCTD17-related conditions. ClinVar contains an entry for this variant (Variation ID: 1721924). Advanced modeling of protein sequence and biophysical properties (such as structural, functional, and spatial information, amino acid conservation, physicochemical variation, residue mobility, and thermodynamic stability) performed at Invitae indicates that this missense variant is not expected to disrupt KCTD17 protein function. In summary, the available evidence is currently insufficient to determine the role of this variant in disease. Therefore, it has been classified as a Variant of Uncertain Significance.

NM_001282684.2(KCTD17):c.332G>T (p.Gly111Val)

Gene: KCTD17 (potassium channel tetramerization domain containing 17; plus strand). Cytogenetic location: 22q12.3.
Variant type: single nucleotide variant.
Coding change: c.332G>T on transcript NM_001282684.2 (MANE Select); coding-DNA position 332, G replaced by T.
Protein change: p.Gly111Val; replaces glycine 111 with valine.
Molecular consequence: missense variant.
Genome position (GRCh38, 1-based): chr22:37,056,353, G>T. VCF-style: chr22-37056353-G-T. GRCh37 (hg19) VCF-style: chr22-37452393-G-T.
Other names: c.332G>T, p.Gly111Val (NM_001282685.2, NM_001282686.2, NM_024681.4); short protein forms G111V.
Identifiers: ClinVar variation 1721924 (VCV001721924.6), dbSNP rs2145972098, ClinGen allele CA411413600.
Genomic context (GRCh38, chr22:37,056,353, plus strand): 5'-ACCTGGGATCTGTTCTGTCTGTGCCAGGGGTCCTGGAGGAAGCCGAGTTCTACAACATCG[G>T]CCCGCTGATCCGCATCATCAAAGACCGGATGGAAGAGAAGGACTACACGGTCACCCAGGT-3'
Protein context (NP_001269613.2, residues 101-121): VLEEAEFYNI[Gly111Val]PLIRIIKDRM